The following is an entry in ClinVar:

ClinVar aggregate classification (germline): Conflicting classifications of pathogenicity. Review status: criteria provided, conflicting classifications (1 of 4 stars). 5 submissions from 5 submitters: Uncertain significance (1); Likely benign (2). 2 of the submissions do not count toward it. Last evaluated 2026-01-19.

Conditions:
Retinal dystrophy. Also called: Inherited retinal dystrophy. Identifiers: Orphanet 71862, MedGen C0854723, MeSH D058499, MONDO:0019118, HP:0000556.

Allele frequency attached by ClinVar (database versions not stated): TOPMed 0.00002; gnomAD 0.00003; gnomAD exomes 0.00010 and 0.00017; 1000 Genomes Project 30x 0.00016; ExAC 0.00017; 1000 Genomes Project 0.00020.
gnomAD v4.1: 156 of 1,609,906 alleles (0.0097%); highest among the groups gnomAD compares: South Asian, 0.12%; 2 homozygotes.

Submissions (5):

Labcorp Genetics (formerly Invitae), Labcorp
Classification: Likely benign. Last evaluated: 2026-01-19. Review status: criteria provided, single submitter. Criteria: Invitae Variant Classification Sherloc (09022015). Collection method: clinical testing. Allele origin: germline.

Blueprint Genetics
Classification: Likely benign. Last evaluated: 2024-06-10. Review status: criteria provided, single submitter. Criteria: ACMG Guidelines, 2015. Collection method: clinical testing. Allele origin: germline.

Ambry Genetics
Classification: Uncertain significance. Last evaluated: 2023-11-07. Review status: criteria provided, single submitter. Criteria: Ambry Variant Classification Scheme 2023. Collection method: clinical testing. Allele origin: germline.

Institute of Human Genetics, Univ. Regensburg, Univ. Regensburg
Classification: Uncertain significance for Retinal dystrophy. Last evaluated: 2022-01-01. Review status: no assertion criteria provided. Criteria: ACMG Guidelines, 2015. Collection method: clinical testing. Allele origin: germline. Affected: yes. Not counted in ClinVar's aggregate classification.

Department of Pathology and Laboratory Medicine, Sinai Health System
Classification: Uncertain significance. Review status: no assertion criteria provided. Collection method: clinical testing. Allele origin: unknown. Affected: yes. Study: The Canadian Open Genetics Repository (COGR). Not counted in ClinVar's aggregate classification.
Comment: The PRPF4 p.Thr247Ala variant was not identified in the literature nor was it identified in ClinVar. The variant was identified in dbSNP (ID: rs563764064) and in control databases in 43 of 251384 chromosomes (1 homozygous) at a frequency of 0.0001711 (Genome Aggregation Database March 6, 2019, v2.1.1). The variant was observed in the following populations: South Asian in 35 of 30612 chromosomes (freq: 0.001143), Other in 1 of 6138 chromosomes (freq: 0.000163), Latino in 3 of 34552 chromosomes (freq: 0.000087) and European (non-Finnish) in 4 of 113718 chromosomes (freq: 0.000035), but was not observed in the African, Ashkenazi Jewish, East Asian, or European (Finnish) populations. The p.Thr247 residue is conserved in mammals and computational analyses (PolyPhen-2, SIFT, AlignGVGD, BLOSUM, MutationTaster) provide inconsistent predictions regarding the impact to the protein; this information is not very predictive of pathogenicity. The variant occurs outside of the splicing consensus sequence and in silico or computational prediction software programs (SpliceSiteFinder, MaxEntScan, NNSPLICE, GeneSplicer) do not predict a difference in splicing. In summary, based on the above information the clinical significance of this variant cannot be determined with certainty at this time. This variant is classified as a variant of uncertain significance.

NM_001244926.2(PRPF4):c.739A>G (p.Thr247Ala)

Gene: PRPF4 (pre-mRNA splicing tri-snRNP complex factor PRPF4; plus strand). Cytogenetic location: 9q32.
Variant type: single nucleotide variant.
Coding change: c.739A>G on transcript NM_001244926.2 (MANE Select); coding-DNA position 739, A replaced by G.
Protein change: p.Thr247Ala; replaces threonine 247 with alanine.
Molecular consequence: missense variant. On other transcripts: 5 prime UTR variant (2), non-coding transcript variant (2).
Genome position (GRCh38, 1-based): chr9:113,284,379, A>G. VCF-style: chr9-113284379-A-G. GRCh37 (hg19) VCF-style: chr9-116046659-A-G.
Other names: c.-27A>G (NM_001322266.2, NM_001322267.2); c.742A>G, p.Thr248Ala (NM_004697.5); c.742A>G (NM_004697.4); short protein forms T247A, T248A.
Identifiers: ClinVar variation 1049018 (VCV001049018.11), dbSNP rs563764064, ClinGen allele CA5194981.